The following is an entry in ClinVar:

NM_007294.4(BRCA1):c.597G>A (p.Val199=)

Gene: BRCA1 (BRCA1 DNA repair associated; minus strand). Cytogenetic location: 17q21.31.
Variant type: single nucleotide variant.
Coding change: c.597G>A on transcript NM_007294.4 (MANE Select); coding-DNA position 597, G replaced by A.
Protein change: p.Val199=; no amino-acid change (valine 199 retained).
Molecular consequence: synonymous variant. On other transcripts: intron variant (115).
Genome position (GRCh38, 1-based): chr17:43,095,919, C>T on the plus strand (G>A on the coding strand, the complement: BRCA1 is on the minus strand). VCF-style: chr17-43095919-C-T. GRCh37 (hg19) VCF-style: chr17-41247936-C-T.
Other names: c.384G>A, p.Val128= (NM_001407571.1, NM_001407853.1, NM_001407894.1 and 12 more transcripts); c.597G>A, p.Val199= (NM_001407581.1, NM_001407582.1, NM_001407583.1 and 58 more transcripts); c.594G>A, p.Val198= (NM_001407587.1, NM_001407590.1, NM_001407591.1 and 41 more transcripts); c.588G>A, p.Val196= (NM_001407646.1, NM_001407647.1, NM_001408408.1); c.519G>A, p.Val173= (NM_001407653.1, NM_001407654.1, NM_001407655.1 and 9 more transcripts); c.516G>A, p.Val172= (NM_001407659.1, NM_001407660.1, NM_001407661.1 and 3 more transcripts); c.456G>A, p.Val152= (NM_001407692.1, NM_001407694.1, NM_001407695.1 and 43 more transcripts); c.453G>A, p.Val151= (NM_001407740.1, NM_001407741.1, NM_001407742.1 and 26 more transcripts); and 17 more.
Identifiers: ClinVar variation 4533113 (VCV004533113.1).

ClinVar aggregate classification (germline): Uncertain significance (1 of 4 stars; one submission).

Submission:

Quest Diagnostics Nichols Institute San Juan Capistrano
Classification: Uncertain significance. Last evaluated: 2025-05-31. Review status: criteria provided, single submitter. Criteria: Quest Diagnostics criteria. Collection method: clinical testing. Allele origin: unknown.
Comment: The BRCA1 c.597G>A (p.Val199=) synonymous variant has not been reported in individuals with BRCA1-related conditions in the published literature. It also has not been reported in large, multi-ethnic general populations (Genome Aggregation Database). Analysis of this variant using software algorithms for the prediction of the effect of nucleotide changes on splicing yielded predictions that this variant does not affect BRCA1 mRNA splicing. Based on the available information, we are unable to determine the clinical significance of this variant.